The following is an entry in ClinVar:

NM_000059.4(BRCA2):c.3394A>T (p.Lys1132Ter)

Gene: BRCA2 (BRCA2 DNA repair associated; plus strand). Cytogenetic location: 13q13.1.
Variant type: single nucleotide variant.
Coding change: c.3394A>T on transcript NM_000059.4 (MANE Select); coding-DNA position 3394, A replaced by T.
Protein change: p.Lys1132Ter; replaces lysine 1132 with a stop codon.
Molecular consequence: nonsense.
Genome position (GRCh38, 1-based): chr13:32,337,749, A>T. VCF-style: chr13-32337749-A-T. GRCh37 (hg19) VCF-style: chr13-32911886-A-T.
Other names: c.3394A>T, p.Lys1132Ter (NM_001406719.1, NM_001406720.1); short protein forms K1132*.
Identifiers: ClinVar variation 2033586 (VCV002033586.5), dbSNP rs2137496133, ClinGen allele CA387776459.
Genomic context (GRCh38, chr13:32,337,749, plus strand): 5'-ACAGAACTTTCTACTATATTAGAAGAATCAGGAAGTCAGTTTGAATTTACTCAGTTTAGA[A>T]AACCAAGCTACATATTGCAGAAGAGTACATTTGAAGTGCCTGAAAACCAGATGACTATCT-3'

ClinVar aggregate classification (germline): Pathogenic. Review status: criteria provided, multiple submitters, no conflicts (2 of 4 stars). 2 submissions from 2 submitters: Pathogenic (2). Last evaluated 2024-03-06.

Conditions:
Hereditary breast ovarian cancer syndrome. Also called: Hereditary breast and/or ovarian cancer syndrome; Hereditary breast and ovarian cancer; Hereditary breast and ovarian cancer syndrome (HBOC); BRCA1- and BRCA2-Associated Hereditary Breast and Ovarian Cancer; Hereditary breast and ovarian cancer syndrome; Breast and ovarian cancer. Identifiers: Orphanet 145, MedGen C0677776, MeSH D061325, MONDO:0003582. Disease mechanism: loss of function.
Breast-ovarian cancer, familial, susceptibility to, 2 (BROVCA2). Also called: BRCA2 Hereditary Breast and Ovarian Cancer. Identifiers: Orphanet 145, MedGen C2675520, MONDO:0012933, OMIM 612555. Disease mechanism: loss of function.

Submissions (2):

Myriad Genetics, Inc.
Classification: Pathogenic for Breast-ovarian cancer, familial, susceptibility to, 2. Last evaluated: 2024-03-06. Review status: criteria provided, single submitter. Criteria: Myriad Autosomal Dominant, Autosomal Recessive and X-Linked Classification Criteria (2023). Collection method: clinical testing. Allele origin: unknown.
Comment: This variant is considered pathogenic. This variant creates a termination codon and is predicted to result in premature protein truncation.

Labcorp Genetics (formerly Invitae), Labcorp
Classification: Pathogenic for Hereditary breast ovarian cancer syndrome. Last evaluated: 2023-03-08. Review status: criteria provided, single submitter. Criteria: Invitae Variant Classification Sherloc (09022015). Collection method: clinical testing. Allele origin: germline.
Comment: ClinVar contains an entry for this variant (Variation ID: 2033586). This sequence change creates a premature translational stop signal (p.Lys1132*) in the BRCA2 gene. It is expected to result in an absent or disrupted protein product. Loss-of-function variants in BRCA2 are known to be pathogenic (PMID: 20104584). This variant is not present in population databases (gnomAD no frequency). This variant has not been reported in the literature in individuals affected with BRCA2-related conditions. For these reasons, this variant has been classified as Pathogenic.

Literature cited by the submitters: PubMed 20104584 (cited by Labcorp Genetics (formerly Invitae), Labcorp).